The following is an entry in ClinVar:

ClinVar aggregate classification (germline): Uncertain significance (1 of 4 stars; one submission).

Conditions:
Hereditary cancer-predisposing syndrome. Also called: Hereditary Cancer Syndrome; Hereditary neoplastic syndrome; Neoplastic Syndromes, Hereditary; Tumor predisposition. Identifiers: Orphanet 140162, MedGen C0027672, MeSH D009386, MONDO:0015356.

Submission:

Ambry Genetics
Classification: Uncertain significance for Hereditary cancer-predisposing syndrome. Last evaluated: 2025-09-07. Review status: criteria provided, single submitter. Criteria: Ambry Variant Classification Scheme 2023. Collection method: clinical testing. Allele origin: germline.
Comment: The p.T447I variant (also known as c.1340C>T), located in coding exon 6 of the ALK gene, results from a C to T substitution at nucleotide position 1340. The threonine at codon 447 is replaced by isoleucine, an amino acid with similar properties. This amino acid position is conserved. In addition, the in silico prediction for this alteration is inconclusive. Based on the available evidence, the clinical significance of this variant remains unclear.

NM_004304.5(ALK):c.1340C>T (p.Thr447Ile)

Gene: ALK (ALK receptor tyrosine kinase; minus strand). Cytogenetic location: 2p23.2.
Variant type: single nucleotide variant.
Coding change: c.1340C>T on transcript NM_004304.5 (MANE Select); coding-DNA position 1340, C replaced by T.
Protein change: p.Thr447Ile; replaces threonine 447 with isoleucine.
Molecular consequence: missense variant.
Genome position (GRCh38, 1-based): chr2:29,328,424, G>A on the plus strand (C>T on the coding strand, the complement: ALK is on the minus strand). VCF-style: chr2-29328424-G-A. GRCh37 (hg19) VCF-style: chr2-29551290-G-A.
Other names: short protein forms T447I.
Identifiers: ClinVar variation 4271230 (VCV004271230.1).